The following is an entry in ClinVar:

ClinVar aggregate classification (germline): Pathogenic (1 of 4 stars; one submission).

Conditions:
Neurofibromatosis, type 1 (NF1). Also called: Neurofibromatosis, type I; Peripheral type neurofibromatosis; VON RECKLINGHAUSEN DISEASE; NEUROFIBROMATOSIS, TYPE I, SOMATIC. Identifiers: Orphanet 636, MedGen C0027831, MONDO:0018975, OMIM 162200. Disease mechanism: loss of function.

Submission:

Labcorp Genetics (formerly Invitae), Labcorp
Classification: Pathogenic for Neurofibromatosis, type 1. Last evaluated: 2022-06-23. Review status: criteria provided, single submitter. Criteria: Invitae Variant Classification Sherloc (09022015). Collection method: clinical testing. Allele origin: germline.
Comment: For these reasons, this variant has been classified as Pathogenic. This variant has not been reported in the literature in individuals affected with NF1-related conditions. This variant is not present in population databases (gnomAD no frequency). This sequence change creates a premature translational stop signal (p.Cys93Metfs*14) in the NF1 gene. It is expected to result in an absent or disrupted protein product. Loss-of-function variants in NF1 are known to be pathogenic (PMID: 10712197, 23913538).

Literature cited by the submitters: PubMed 10712197; PubMed 23913538.

NM_001042492.3(NF1):c.276dup (p.Cys93fs)

Gene: NF1 (neurofibromin 1; plus strand). Cytogenetic location: 17q11.2.
Variant type: Duplication.
Coding change: c.276dup on transcript NM_001042492.3 (MANE Select); coding-DNA position 276, one base duplicated (A; older notation c.276dupA).
Protein change: p.Cys93fs; shifts the reading frame from cysteine 93.
Molecular consequence: frameshift variant.
Genome position (GRCh38, 1-based): chr17:31,159,081, A duplicated; the last of 5 consecutive A bases (chr17:31,159,077-31,159,081); duplicating any one gives the same sequence. VCF-style (leftmost placement, unchanged base first): chr17-31159076-G-GA. GRCh37 (hg19) VCF-style: chr17-29486094-G-GA.
Other names: c.276dup, p.Cys93fs (NM_001128147.3); c.276dup, p.Cys93Metfs (NM_000267.4); short protein forms C93fs.
Identifiers: ClinVar variation 2010006 (VCV002010006.4), dbSNP rs2065718031, ClinGen allele CA2580092891.